The following is an entry in ClinVar:

ClinVar aggregate classification (germline): Pathogenic (1 of 4 stars; one submission).

Conditions:
Meckel-Gruber syndrome. Also called: Dysencephalia splachnocystica; DYSENCEPHALIA SPLANCHNOCYSTICA; GRUBER SYNDROME. Identifiers: Orphanet 564, MedGen C0265215, MONDO:0018921.
Joubert syndrome. Also called: Familial aplasia of the vermis; CEREBELLOPARENCHYMAL DISORDER IV; JOUBERT-BOLTSHAUSER SYNDROME. Identifiers: Orphanet 475, MedGen C5979921, MONDO:0018772.

Allele frequency attached by ClinVar (database versions not stated): gnomAD exomes below 0.00001.

Submission:

Labcorp Genetics (formerly Invitae), Labcorp
Classification: Pathogenic for Joubert syndrome; Meckel-Gruber syndrome. Last evaluated: 2021-10-25. Review status: criteria provided, single submitter. Criteria: Invitae Variant Classification Sherloc (09022015). Collection method: clinical testing. Allele origin: germline.
Comment: This variant has not been reported in the literature in individuals with RPGRIP1L-related conditions. For these reasons, this variant has been classified as Pathogenic. Loss-of-function variants in RPGRIP1L are known to be pathogenic (PMID: 17558409). This variant is not present in population databases (ExAC no frequency). This sequence change creates a premature translational stop signal (p.Ala1155Serfs*5) in the RPGRIP1L gene. It is expected to result in an absent or disrupted protein product.

Literature cited by the submitters: PubMed 17558409.

NM_015272.5(RPGRIP1L):c.3461dup (p.Ala1155fs)

Gene: RPGRIP1L (RPGRIP1 like; minus strand). Cytogenetic location: 16q12.2.
Variant type: Duplication.
Coding change: c.3461dup on transcript NM_015272.5 (MANE Select); coding-DNA position 3461, one base duplicated (T; older notation c.3461dupT).
Protein change: p.Ala1155fs; shifts the reading frame from alanine 1155.
Molecular consequence: frameshift variant.
Genome position (GRCh38, 1-based): chr16:53,619,180, A duplicated on the plus strand (T on the coding strand, the reverse complement: RPGRIP1L is on the minus strand). VCF-style (leftmost placement, unchanged base first): chr16-53619179-T-TA. GRCh37 (hg19) VCF-style: chr16-53653091-T-TA.
Other names: c.3221dup, p.Ala1075fs (NM_001127897.4); c.3323dup, p.Ala1109fs (NM_001308334.3); c.3359dup, p.Ala1121fs (NM_001330538.2); short protein forms A1075fs, A1155fs, A1109fs, A1121fs.
Identifiers: ClinVar variation 949478 (VCV000949478.8), dbSNP rs1964561986, ClinGen allele CA1139664686.